The following is an entry in ClinVar:

NM_007194.4(CHEK2):c.188del (p.Ser62_Leu63insTer)

Gene: CHEK2 (checkpoint kinase 2; minus strand). Cytogenetic location: 22q12.1.
Variant type: Deletion.
Coding change: c.188del on transcript NM_007194.4 (MANE Select); coding-DNA position 188, one base deleted (T; older notation c.188delT).
Protein change: p.Ser62_Leu63insTer.
Molecular consequence: nonsense. On other transcripts: frameshift variant (3).
Genome position (GRCh38, 1-based): chr22:28,734,534, A deleted on the plus strand (T on the coding strand, the reverse complement: CHEK2 is on the minus strand); the first of 2 consecutive A bases (chr22:28,734,534-28,734,535); deleting either gives the same sequence. VCF-style (leftmost placement, unchanged base first): chr22-28734533-TA-T. GRCh37 (hg19) VCF-style: chr22-29130521-TA-T.
Other names: c.187delT, p.Leu63Terfs (NM_001005735.3, NM_001349956.3, NM_145862.3); c.-591delT (NM_001257387.3).
Identifiers: ClinVar variation 1442920 (VCV001442920.7), dbSNP rs2146148231, ClinGen allele CA2573157843.

ClinVar aggregate classification (germline): Pathogenic (1 of 4 stars; one submission).

Conditions:
Familial cancer of breast. Also called: hereditary breast carcinoma; Hereditary breast cancer; BREAST CANCER, FAMILIAL. Identifiers: Orphanet 227535, MedGen C0346153, MONDO:0016419, OMIM 114480. Disease mechanism: loss of function.

Submission:

Labcorp Genetics (formerly Invitae), Labcorp
Classification: Pathogenic for Familial cancer of breast. Last evaluated: 2020-12-10. Review status: criteria provided, single submitter. Criteria: Invitae Variant Classification Sherloc (09022015). Collection method: clinical testing. Allele origin: germline.
Comment: This sequence change creates a premature translational stop signal (p.Leu63*) in the CHEK2 gene. It is expected to result in an absent or disrupted protein product. Loss-of-function variants in CHEK2 are known to be pathogenic (PMID: 21876083, 24713400). This variant is not present in population databases (ExAC no frequency). This variant has not been reported in the literature in individuals with CHEK2-related conditions. For these reasons, this variant has been classified as Pathogenic.

Literature cited by the submitters: PubMed 21876083; PubMed 24713400.